The following is an entry in ClinVar:

ClinVar aggregate classification (germline): Uncertain significance (1 of 4 stars; one submission).

Allele frequency attached by ClinVar (database versions not stated): TOPMed below 0.00001.

Submission:

Labcorp Genetics (formerly Invitae), Labcorp
Classification: Uncertain significance. Last evaluated: 2023-12-21. Review status: criteria provided, single submitter. Criteria: Invitae Variant Classification Sherloc (09022015). Collection method: clinical testing. Allele origin: germline.
Comment: This sequence change replaces valine, which is neutral and non-polar, with isoleucine, which is neutral and non-polar, at codon 378 of the HK1 protein (p.Val378Ile). This variant is not present in population databases (gnomAD no frequency). This variant has not been reported in the literature in individuals affected with HK1-related conditions. Advanced modeling of protein sequence and biophysical properties (such as structural, functional, and spatial information, amino acid conservation, physicochemical variation, residue mobility, and thermodynamic stability) performed at Invitae indicates that this missense variant is not expected to disrupt HK1 protein function with a negative predictive value of 80%. In summary, the available evidence is currently insufficient to determine the role of this variant in disease. Therefore, it has been classified as a Variant of Uncertain Significance.

NM_000188.3(HK1):c.1132G>A (p.Val378Ile)

Gene: HK1 (hexokinase 1; plus strand). Cytogenetic location: 10q22.1.
Variant type: single nucleotide variant.
Coding change: c.1132G>A on transcript NM_000188.3 (MANE Select); coding-DNA position 1132, G replaced by A.
Protein change: p.Val378Ile; replaces valine 378 with isoleucine.
Molecular consequence: missense variant.
Genome position (GRCh38, 1-based): chr10:69,379,962, G>A. VCF-style: chr10-69379962-G-A. GRCh37 (hg19) VCF-style: chr10-71139718-G-A.
Other names: c.1144G>A, p.Val382Ile (NM_001322364.2, NM_001358263.1, NM_033497.3 and 1 more transcripts); c.1237G>A, p.Val413Ile (NM_001322365.2); c.1048G>A, p.Val350Ile (NM_001322366.1); c.1036G>A, p.Val346Ile (NM_001322367.1); c.1129G>A, p.Val377Ile (NM_033496.3); c.1096G>A, p.Val366Ile (NM_033500.2); short protein forms V382I, V350I, V377I, V378I, V346I, V413I, V366I.
Identifiers: ClinVar variation 2795007 (VCV002795007.3), dbSNP rs1839305315, ClinGen allele CA376917416.